The following is an entry in ClinVar:

NM_001080467.3(MYO5B):c.3351C>T (p.Ser1117=)

Gene: MYO5B (myosin VB; minus strand). Cytogenetic location: 18q21.1.
Variant type: single nucleotide variant.
Coding change: c.3351C>T on transcript NM_001080467.3 (MANE Select); coding-DNA position 3351, C replaced by T.
Protein change: p.Ser1117=; no amino-acid change (serine 1117 retained).
Molecular consequence: synonymous variant.
Genome position (GRCh38, 1-based): chr18:49,877,808, G>A on the plus strand (C>T on the coding strand, the complement: MYO5B is on the minus strand). VCF-style: chr18-49877808-G-A. GRCh37 (hg19) VCF-style: chr18-47404178-G-A.
Other names: c.3351C>T (NM_001080467.2).
Identifiers: ClinVar variation 2419440 (VCV002419440.9), dbSNP rs780637264, ClinGen allele CA8960753.

ClinVar aggregate classification (germline): Likely benign. Review status: criteria provided, single submitter (1 of 4 stars). 2 submissions from 2 submitters: Likely benign (1). 1 of the submissions does not count toward it. Last evaluated 2023-09-06.

Conditions:
MYO5B-related disorder. Also called: MYO5B-related condition.

Allele frequency attached by ClinVar (database versions not stated): gnomAD 0.00001; gnomAD exomes 0.00001; TOPMed 0.00001; ExAC 0.00002.
gnomAD v4.1: 25 of 1,614,052 alleles (0.0015%); highest among the groups gnomAD compares: Middle Eastern, 0.033%; no homozygotes.

Submissions (2):

Labcorp Genetics (formerly Invitae), Labcorp
Classification: Likely benign. Last evaluated: 2023-09-06. Review status: criteria provided, single submitter. Criteria: Invitae Variant Classification Sherloc (09022015). Collection method: clinical testing. Allele origin: germline.

PreventionGenetics, part of Exact Sciences
Classification: Likely benign for MYO5B-related condition. Last evaluated: 2023-12-19. Review status: no assertion criteria provided. Collection method: clinical testing. Allele origin: germline. Not counted in ClinVar's aggregate classification.
Comment: This variant is classified as likely benign based on ACMG/AMP sequence variant interpretation guidelines (Richards et al. 2015 PMID: 25741868, with internal and published modifications).